The following is an entry in ClinVar:

ClinVar aggregate classification (germline): Uncertain significance (1 of 4 stars; one submission).

Submission:

Labcorp Genetics (formerly Invitae), Labcorp
Classification: Uncertain significance. Last evaluated: 2022-11-15. Review status: criteria provided, single submitter. Criteria: Invitae Variant Classification Sherloc (09022015). Collection method: clinical testing. Allele origin: germline.
Comment: In summary, the available evidence is currently insufficient to determine the role of this variant in disease. Therefore, it has been classified as a Variant of Uncertain Significance. Algorithms developed to predict the effect of missense changes on protein structure and function output the following: SIFT: "Tolerated"; PolyPhen-2: "Benign"; Align-GVGD: "Class C0". The phenylalanine amino acid residue is found in multiple mammalian species, which suggests that this missense change does not adversely affect protein function. ClinVar contains an entry for this variant (Variation ID: 1511710). This variant has not been reported in the literature in individuals affected with KIAA1549-related conditions. This variant is not present in population databases (gnomAD no frequency). This sequence change replaces serine, which is neutral and polar, with phenylalanine, which is neutral and non-polar, at codon 612 of the KIAA1549 protein (p.Ser612Phe).

NM_001164665.2(KIAA1549):c.1835C>T (p.Ser612Phe)

Gene: KIAA1549 (KIAA1549; minus strand). Cytogenetic location: 7q34.
Variant type: single nucleotide variant.
Coding change: c.1835C>T on transcript NM_001164665.2 (MANE Select); coding-DNA position 1835, C replaced by T.
Protein change: p.Ser612Phe; replaces serine 612 with phenylalanine.
Molecular consequence: missense variant.
Genome position (GRCh38, 1-based): chr7:138,917,791, G>A on the plus strand (C>T on the coding strand, the complement: KIAA1549 is on the minus strand). VCF-style: chr7-138917791-G-A. GRCh37 (hg19) VCF-style: chr7-138602537-G-A.
Other names: c.1835C>T, p.Ser612Phe (NM_020910.3); short protein forms S612F.
Identifiers: ClinVar variation 1511710 (VCV001511710.6), dbSNP rs2130479571, ClinGen allele CA369396633.